The following is an entry in ClinVar:

NM_000535.7(PMS2):c.2515_2517delinsAGTT (p.His839fs)

Gene: PMS2 (PMS1 homolog 2, mismatch repair system component; minus strand). Cytogenetic location: 7p22.1.
Variant type: Indel.
Coding change: c.2515_2517delinsAGTT on transcript NM_000535.7 (MANE Select); coding-DNA positions 2515 to 2517, CAC replaced by AGTT.
Protein change: p.His839fs; shifts the reading frame from histidine 839.
Molecular consequence: frameshift variant. On other transcripts: non-coding transcript variant (1).
Genome position (GRCh38, 1-based): chr7:5,973,471-5,973,473, GTG replaced by AACT on the plus strand (CAC replaced by AGTT on the coding strand, the reverse complement: PMS2 is on the minus strand). VCF-style: chr7-5973471-GTG-AACT. GRCh37 (hg19) VCF-style: chr7-6013102-GTG-AACT.
Other names: c.2110_2112delinsAGTT, p.His704fs (NM_001322003.2, NM_001322004.2, NM_001322005.2); c.2359_2361delinsAGTT, p.His787fs (NM_001322006.2); c.2197_2199delinsAGTT, p.His733fs (NM_001322007.2, NM_001322008.2); c.2143_2145delinsAGTT, p.His715fs (NM_001322009.2); c.1954_1956delinsAGTT, p.His652fs (NM_001322010.2); c.1582_1584delinsAGTT, p.His528fs (NM_001322011.2, NM_001322012.2); c.1942_1944delinsAGTT, p.His648fs (NM_001322013.2); c.2548_2550delinsAGTT, p.His850fs (NM_001322014.2); and 2 more; short protein forms H648fs, H704fs, H715fs, H733fs, H736fs, H787fs, H839fs, H652fs.
Identifiers: ClinVar variation 1454389 (VCV001454389.7), dbSNP rs2128657907, ClinGen allele CA2573141926.

ClinVar aggregate classification (germline): Pathogenic. Review status: criteria provided, multiple submitters, no conflicts (2 of 4 stars). 2 submissions from 2 submitters: Pathogenic (2). Last evaluated 2023-12-07.

Conditions:
Hereditary nonpolyposis colorectal neoplasms. Identifiers: MedGen C0009405, MeSH D003123.
Hereditary cancer-predisposing syndrome. Also called: Tumor predisposition; Neoplastic Syndromes, Hereditary; Hereditary Cancer Syndrome; Hereditary neoplastic syndrome. Identifiers: Orphanet 140162, MedGen C0027672, MeSH D009386, MONDO:0015356.

Submissions (2):

Ambry Genetics
Classification: Pathogenic for Hereditary cancer-predisposing syndrome. Last evaluated: 2023-12-07. Review status: criteria provided, single submitter. Criteria: Ambry Variant Classification Scheme 2023. Collection method: clinical testing. Allele origin: germline.
Comment: The c.2515_2517delCACinsAGTT pathogenic mutation, located in coding exon 15 of the PMS2 gene, results from the deletion of 3 nucleotides and insertion of 4 nucleotides causing a translational frameshift with a predicted alternate stop codon (p.H839Sfs*49). This alteration occurs at the 3' terminus of thePMS2 gene, is not expected to trigger nonsense-mediated mRNAdecay and results in the elongation of the protein by 24 amino acids. This frameshift impacts the last 24amino acids of the native protein. However, frameshifts are typically deleterious in nature and the impacted region is critical for protein function (Ambry internal data). Based on the supporting evidence, this alteration is interpreted as a disease-causing mutation.

Labcorp Genetics (formerly Invitae), Labcorp
Classification: Pathogenic for Hereditary nonpolyposis colorectal neoplasms. Last evaluated: 2023-11-20. Review status: criteria provided, single submitter. Criteria: Invitae Variant Classification Sherloc (09022015). Collection method: clinical testing. Allele origin: germline.
Comment: This sequence change results in a frameshift in the PMS2 gene (p.His839Serfs*49). While this is not anticipated to result in nonsense mediated decay, it is expected to disrupt the last 24 amino acid(s) of the PMS2 protein and extend the protein by 24 additional amino acid residues. The frequency data for this variant in the population databases (gnomAD) is considered unreliable due to the presence of homologous sequence, such as pseudogenes or paralogs, in the genome. This variant has not been reported in the literature in individuals affected with PMS2-related conditions. ClinVar contains an entry for this variant (Variation ID: 1454389). This variant disrupts the MLH1 interaction domain of the PMS2 protein, which has been shown to be critical for PMS2-MLH1 dimerization (PMID: 10037723), and therefore mismatch repair activity (PMID: 16338176, 20533529). While functional studies have not been performed to directly test the effect of this variant on PMS2 protein function, this suggests that disruption of this region of the protein is causative of disease. This variant disrupts a region of the PMS2 protein in which other variant(s) (p.Trp841Glyfs*10) have been determined to be pathogenic (PMID: 16338176, 20533529, 26116798, 30764633; Invitae). This suggests that this is a clinically significant region of the protein, and that variants that disrupt it are likely to be disease-causing. For these reasons, this variant has been classified as Pathogenic.

Literature cited by the submitters: PubMed 10037723 (cited by Labcorp Genetics (formerly Invitae), Labcorp); PubMed 16338176 (cited by Labcorp Genetics (formerly Invitae), Labcorp); PubMed 20533529 (cited by Labcorp Genetics (formerly Invitae), Labcorp); PubMed 26116798 (cited by Labcorp Genetics (formerly Invitae), Labcorp); PubMed 30764633 (cited by Labcorp Genetics (formerly Invitae), Labcorp).